The following is an entry in ClinVar:

NM_001278116.2(L1CAM):c.2450A>G (p.Glu817Gly)

Gene: L1CAM (L1 cell adhesion molecule; minus strand). Cytogenetic location: Xq28.
Variant type: single nucleotide variant.
Coding change: c.2450A>G on transcript NM_001278116.2 (MANE Select); coding-DNA position 2450, A replaced by G.
Protein change: p.Glu817Gly; replaces glutamic acid 817 with glycine.
Molecular consequence: missense variant.
Genome position (GRCh38, 1-based): chrX:153,865,801, T>C on the plus strand (A>G on the coding strand, the complement: L1CAM is on the minus strand). VCF-style: chrX-153865801-T-C. GRCh37 (hg19) VCF-style: chrX-153131256-T-C.
Other names: c.2450A>G, p.Glu817Gly (NM_000425.5, NM_024003.3); c.2435A>G, p.Glu812Gly (NM_001143963.2); short protein forms E812G, E817G.
Identifiers: ClinVar variation 3371099 (VCV003371099.1).

ClinVar aggregate classification (germline): Uncertain significance (1 of 4 stars; one submission).

Submission:

GeneDx
Classification: Uncertain significance. Last evaluated: 2024-03-15. Review status: criteria provided, single submitter. Criteria: GeneDx Variant Classification Process June 2021. Collection method: clinical testing. Allele origin: germline. Affected: yes.
Comment: Not observed at significant frequency in large population cohorts (gnomAD); In silico analysis supports that this missense variant does not alter protein structure/function; Has not been previously published as pathogenic or benign to our knowledge; This variant is associated with the following publications: (PMID: 25641508)